The following is an entry in ClinVar:

NM_020631.6(PLEKHG5):c.631G>C (p.Gly211Arg)

Gene: PLEKHG5 (pleckstrin homology and RhoGEF domain containing G5; minus strand). Cytogenetic location: 1p36.31.
Variant type: single nucleotide variant.
Coding change: c.631G>C on transcript NM_020631.6 (MANE Select); coding-DNA position 631, G replaced by C.
Protein change: p.Gly211Arg; replaces glycine 211 with arginine.
Molecular consequence: missense variant.
Genome position (GRCh38, 1-based): chr1:6,473,415, C>G on the plus strand (G>C on the coding strand, the complement: PLEKHG5 is on the minus strand). VCF-style: chr1-6473415-C-G. GRCh37 (hg19) VCF-style: chr1-6533475-C-G.
Other names: c.742G>C, p.Gly248Arg (NM_001042663.3, NM_001265592.2); c.631G>C, p.Gly211Arg (NM_001042664.2, NM_001042665.2, NM_001265594.3 and 1 more transcripts); c.838G>C, p.Gly280Arg (NM_001265593.2); short protein forms G211R, G248R, G280R.
Identifiers: ClinVar variation 1427583 (VCV001427583.5), dbSNP rs1428031986, ClinGen allele CA338137238.

ClinVar aggregate classification (germline): Uncertain significance (1 of 4 stars; one submission).

Conditions:
Neuronopathy, distal hereditary motor, autosomal recessive 4. Also called: NEUROPATHY, DISTAL HEREDITARY MOTOR, AUTOSOMAL RECESSIVE 4; Autosomal recessive lower motor neuron disease with childhood onset. Identifiers: Orphanet 206580, MedGen C1970211, MONDO:0012608, OMIM 611067.
Charcot-Marie-Tooth disease recessive intermediate C. Also called: CHARCOT-MARIE-TOOTH NEUROPATHY, RECESSIVE INTERMEDIATE C. Identifiers: Orphanet 369867, MedGen C3809309, MONDO:0014154, OMIM 615376.

Allele frequency attached by ClinVar (database versions not stated): gnomAD exomes 0.00001.
gnomAD v4.1: 5 of 1,542,434 alleles (0.00032%); highest among the groups gnomAD compares: South Asian, 0.0012%; no homozygotes.

Submission:

Labcorp Genetics (formerly Invitae), Labcorp
Classification: Uncertain significance for Neuronopathy, distal hereditary motor, autosomal recessive 4; Charcot-Marie-Tooth disease recessive intermediate C. Last evaluated: 2021-09-01. Review status: criteria provided, single submitter. Criteria: Invitae Variant Classification Sherloc (09022015). Collection method: clinical testing. Allele origin: germline.
Comment: This sequence change replaces glycine with arginine at codon 211 of the PLEKHG5 protein (p.Gly211Arg). The glycine residue is highly conserved and there is a moderate physicochemical difference between glycine and arginine. The frequency data for this variant in the population databases is considered unreliable, as metrics indicate insufficient coverage at this position in the ExAC database. This variant has not been reported in the literature in individuals affected with PLEKHG5-related conditions. Algorithms developed to predict the effect of missense changes on protein structure and function are either unavailable or do not agree on the potential impact of this missense change (SIFT: "Deleterious"; PolyPhen-2: "Probably Damaging"; Align-GVGD: "Class C0"). In summary, the available evidence is currently insufficient to determine the role of this variant in disease. Therefore, it has been classified as a Variant of Uncertain Significance.